The following is an entry in ClinVar:

ClinVar aggregate classification (germline): Uncertain significance. Review status: criteria provided, multiple submitters, no conflicts (2 of 4 stars). 2 submissions from 2 submitters: Uncertain significance (2). Last evaluated 2021-08-28.

Conditions:
Intellectual disability, autosomal recessive 53 (NEDHSCA). Also called: Mental retardation, autosomal recessive 53; NEURODEVELOPMENTAL DISORDER WITH OR WITHOUT HYPOTONIA, SEIZURES, AND CEREBELLAR ATROPHY; GLYCOSYLPHOSPHATIDYLINOSITOL BIOSYNTHESIS DEFECT 13. Identifiers: Orphanet 488635, MedGen C4310794, MONDO:0014832, OMIM 616917.

Allele frequency attached by ClinVar (database versions not stated): gnomAD below 0.00001 and 0.00001; gnomAD exomes below 0.00001 and 0.00001; ExAC 0.00001; TOPMed 0.00001.
gnomAD v4.1: 11 of 1,614,056 alleles (0.00068%); highest among the groups gnomAD compares: South Asian, 0.012%; no homozygotes.

Submissions (2):

Labcorp Genetics (formerly Invitae), Labcorp
Classification: Uncertain significance for Intellectual disability, autosomal recessive 53. Last evaluated: 2021-08-28. Review status: criteria provided, single submitter. Criteria: Invitae Variant Classification Sherloc (09022015). Collection method: clinical testing. Allele origin: germline.
Comment: This sequence change replaces arginine with isoleucine at codon 383 of the PIGG protein (p.Arg383Ile). The arginine residue is weakly conserved and there is a moderate physicochemical difference between arginine and isoleucine. This variant is present in population databases (rs748283787, ExAC 0.006%). This variant has not been reported in the literature in individuals affected with PIGG-related conditions. Algorithms developed to predict the effect of missense changes on protein structure and function are either unavailable or do not agree on the potential impact of this missense change (SIFT: "Tolerated"; PolyPhen-2: "Possibly Damaging"; Align-GVGD: "Class C0"). In summary, the available evidence is currently insufficient to determine the role of this variant in disease. Therefore, it has been classified as a Variant of Uncertain Significance.

Breakthrough Genomics
Classification: Uncertain significance. Review status: criteria provided, single submitter. Criteria: ACMG Guidelines, 2015. Collection method: not provided. Allele origin: germline. Inheritance: Autosomal recessive inheritance. Affected: yes.

NM_001127178.3(PIGG):c.1148G>T (p.Arg383Ile)

Gene: PIGG (phosphatidylinositol glycan anchor biosynthesis class G (EMM blood group); plus strand). Cytogenetic location: 4p16.3.
Variant type: single nucleotide variant.
Coding change: c.1148G>T on transcript NM_001127178.3 (MANE Select); coding-DNA position 1148, G replaced by T.
Protein change: p.Arg383Ile; replaces arginine 383 with isoleucine.
Molecular consequence: missense variant. On other transcripts: 5 prime UTR variant (2), non-coding transcript variant (10), intron variant (1).
Genome position (GRCh38, 1-based): chr4:521,089, G>T. VCF-style: chr4-521089-G-T. GRCh37 (hg19) VCF-style: chr4-514878-G-T.
Other names: c.881G>T, p.Arg294Ile (NM_001289051.2, NM_001289053.2, NM_001345986.2 and 1 more transcripts); c.749G>T, p.Arg250Ile (NM_001289052.2); c.782G>T, p.Arg261Ile (NM_001289055.2); c.119G>T, p.Arg40Ile (NM_001345988.2); c.1148G>T, p.Arg383Ile (NM_001345989.2, NM_017733.5); c.-340G>T (NM_001345990.2, NM_001345991.2); c.74G>T, p.Arg25Ile (NM_001345994.2); c.848-571G>T (NM_001289057.2); short protein forms R250I, R261I, R40I, R25I, R294I, R383I.
Identifiers: ClinVar variation 946717 (VCV000946717.8), dbSNP rs748283787, ClinGen allele CA2793235.